The following is an entry in ClinVar:

ClinVar aggregate classification (germline): Uncertain significance (1 of 4 stars; one submission).

gnomAD v4.1: 3 of 1,208,622 alleles (0.00025%); highest among the groups gnomAD compares: Admixed American, 0.0044%; no homozygotes.

Submission:

Labcorp Genetics (formerly Invitae), Labcorp
Classification: Uncertain significance. Last evaluated: 2025-07-07. Review status: criteria provided, single submitter. Criteria: Invitae Variant Classification Sherloc (09022015). Collection method: clinical testing. Allele origin: germline.
Comment: This sequence change replaces glycine, which is neutral and non-polar, with valine, which is neutral and non-polar, at codon 1710 of the TAF1 protein (p.Gly1710Val). This variant is not present in population databases (gnomAD no frequency). This variant has not been reported in the literature in individuals affected with TAF1-related conditions. An algorithm developed to predict the effect of missense changes on protein structure and function (PolyPhen-2) suggests that this variant is likely to be tolerated. In summary, the available evidence is currently insufficient to determine the role of this variant in disease. Therefore, it has been classified as a Variant of Uncertain Significance.

NM_004606.5(TAF1):c.5069G>T (p.Gly1690Val)

Gene: TAF1 (TATA-box binding protein associated factor 1; plus strand). Cytogenetic location: Xq13.1.
Variant type: single nucleotide variant.
Coding change: c.5069G>T on transcript NM_004606.5 (MANE Select); coding-DNA position 5069, G replaced by T.
Protein change: p.Gly1690Val; replaces glycine 1690 with valine.
Molecular consequence: missense variant. On other transcripts: non-coding transcript variant (9).
Genome position (GRCh38, 1-based): chrX:71,459,556, G>T. VCF-style: chrX-71459556-G-T. GRCh37 (hg19) VCF-style: chrX-70679406-G-T.
Other names: c.5075G>T, p.Gly1692Val (NM_001286074.2); c.5171G>T, p.Gly1724Val (NM_001440852.1); c.5069G>T, p.Gly1690Val (NM_001440853.1); c.5006G>T, p.Gly1669Val (NM_001440854.1, NM_138923.4); short protein forms G1690V, G1692V, G1669V, G1724V.
Identifiers: ClinVar variation 4739482 (VCV004739482.1).